The following is an entry in ClinVar:

ClinVar aggregate classification (germline): Uncertain significance (1 of 4 stars; one submission).

gnomAD v4.1: 3 of 1,614,192 alleles (0.00019%); highest among the groups gnomAD compares: Non-Finnish European, 0.00025%; no homozygotes.

Submission:

Ambry Genetics
Classification: Uncertain significance. Last evaluated: 2025-03-01. Review status: criteria provided, single submitter. Criteria: Ambry Variant Classification Scheme 2023. Collection method: clinical testing. Allele origin: germline.
Comment: The p.R93P variant (also known as c.278G>C), located in coding exon 1 of the CDK12 gene, results from a G to C substitution at nucleotide position 278. The arginine at codon 93 is replaced by proline, an amino acid with dissimilar properties. This amino acid position is conserved. In addition, this alteration is predicted to be tolerated by in silico analysis. Based on the available evidence, the clinical significance of this variant remains unclear.

NM_016507.4(CDK12):c.278G>C (p.Arg93Pro)

Genes: CDK12 (cyclin dependent kinase 12; plus strand), LOC126862553 (CDK7 strongly-dependent group 2 enhancer GRCh37_chr17:37618166-37619365; plus strand). Cytogenetic location: 17q12.
Variant type: single nucleotide variant.
Coding change: c.278G>C on transcript NM_016507.4 (MANE Select); coding-DNA position 278, G replaced by C.
Protein change: p.Arg93Pro; replaces arginine 93 with proline.
Molecular consequence: missense variant.
Genome position (GRCh38, 1-based): chr17:39,462,349, G>C. VCF-style: chr17-39462349-G-C. GRCh37 (hg19) VCF-style: chr17-37618602-G-C.
Other names: c.278G>C, p.Arg93Pro (NM_015083.4); short protein forms R93P.
Identifiers: ClinVar variation 3830731 (VCV003830731.1).